The following is an entry in ClinVar:

NM_002691.4(POLD1):c.317-9_333del

Gene: POLD1 (DNA polymerase delta 1, catalytic subunit; plus strand). Cytogenetic location: 19q13.33.
Variant type: Deletion.
Coding change: c.317-9_333del on transcript NM_002691.4 (MANE Select); 9 bases into the intron before coding-DNA position 317 through coding-DNA position 333, 26 bases deleted (ACCCCACAGGCCCAGCGCAGCCTGTG).
Molecular consequence: splice acceptor variant.
Genome position (GRCh38, 1-based): chr19:50,401,769-50,401,794, ACCCCACAGGCCCAGCGCAGCCTGTG deleted; deleting any 26 consecutive bases within chr19:50,401,763-50,401,794 gives the same sequence; the c. name uses the placement nearest the transcript's 3' end. VCF-style (leftmost placement, unchanged base first): chr19-50401762-CCCTGTGACCCCACAGGCCCAGCGCAG-C. GRCh37 (hg19) VCF-style: chr19-50905019-CCCTGTGACCCCACAGGCCCAGCGCAG-C.
Other names: c.317-9_333del (NM_001256849.1, NM_001308632.1).
Identifiers: ClinVar variation 1728500 (VCV001728500.2), dbSNP rs2513954493, ClinGen allele CA2580097625.

ClinVar aggregate classification (germline): Uncertain significance (1 of 4 stars; one submission).

Conditions:
Hereditary cancer-predisposing syndrome. Also called: Tumor predisposition; Neoplastic Syndromes, Hereditary; Hereditary Cancer Syndrome; Hereditary neoplastic syndrome. Identifiers: Orphanet 140162, MedGen C0027672, MeSH D009386, MONDO:0015356.

Submission:

Ambry Genetics
Classification: Uncertain significance for Hereditary cancer-predisposing syndrome. Last evaluated: 2019-12-31. Review status: criteria provided, single submitter. Criteria: Ambry Variant Classification Scheme 2023. Collection method: clinical testing. Allele origin: germline.
Comment: The c.317-9_333del26 variant spans the intron/exon boundary, including the canonical splice acceptor site, at the beginning of coding exon 3 in the POLD1 gene. This variant results from a deletion of 26 nucleotides at positions c.317-9 to c.333. This nucleotide region is not well conserved on available sequence alignment. Using the BDGP and ESEfinder splice site prediction tools, this alteration is predicted to abolish the native splice acceptor site; however, direct evidence is unavailable. Alterations that disrupt the canonical splice site are expected to cause aberrant splicing, resulting in an abnormal protein or a transcript that is subject to nonsense-mediated mRNA decay. However, loss of function of POLD1 has not been clearly established as a mechanism of disease. Since supporting evidence is limited at this time, the clinical significance of this alteration remains unclear.